The following is an entry in ClinVar:

NM_006904.7(PRKDC):c.1499G>A (p.Gly500Asp)

Gene: PRKDC (protein kinase, DNA-activated, catalytic subunit; minus strand). Cytogenetic location: 8q11.21.
Variant type: single nucleotide variant.
Coding change: c.1499G>A on transcript NM_006904.7 (MANE Select); coding-DNA position 1499, G replaced by A.
Protein change: p.Gly500Asp; replaces glycine 500 with aspartic acid.
Molecular consequence: missense variant.
Genome position (GRCh38, 1-based): chr8:47,934,089, C>T on the plus strand (G>A on the coding strand, the complement: PRKDC is on the minus strand). VCF-style: chr8-47934089-C-T. GRCh37 (hg19) VCF-style: chr8-48846649-C-T.
Other names: c.1499G>A, p.Gly500Asp (NM_001081640.2); short protein forms G500D.
Identifiers: ClinVar variation 1773941 (VCV001773941.2), dbSNP rs2551879214, ClinGen allele CA371165518.

ClinVar aggregate classification (germline): Uncertain significance (1 of 4 stars; one submission).

Submission:

Ambry Genetics
Classification: Uncertain significance. Last evaluated: 2022-06-27. Review status: criteria provided, single submitter. Criteria: Ambry Variant Classification Scheme 2023. Collection method: clinical testing. Allele origin: germline.
Comment: The p.G500D variant (also known as c.1499G>A), located in coding exon 15 of the PRKDC gene, results from a G to A substitution at nucleotide position 1499. The glycine at codon 500 is replaced by aspartic acid, an amino acid with similar properties. This amino acid position is conserved. In addition, this alteration is predicted to be tolerated by in silico analysis. Since supporting evidence is limited at this time, the clinical significance of this alteration remains unclear.